The following is an entry in ClinVar:

NM_001365536.1(SCN9A):c.5329G>A (p.Asp1777Asn)

Genes: SCN9A (sodium voltage-gated channel alpha subunit 9; minus strand), SCN1A-AS1 (SCN1A and SCN9A antisense RNA 1; plus strand). Cytogenetic location: 2q24.3.
Variant type: single nucleotide variant.
Coding change: c.5329G>A on transcript NM_001365536.1 (MANE Select); coding-DNA position 5329, G replaced by A.
Protein change: p.Asp1777Asn; replaces aspartic acid 1777 with asparagine.
Molecular consequence: missense variant.
Genome position (GRCh38, 1-based): chr2:166,199,310, C>T on the plus strand (G>A on the coding strand, the complement: SCN9A is on the minus strand). VCF-style: chr2-166199310-C-T. GRCh37 (hg19) VCF-style: chr2-167055820-C-T.
Other names: c.5296G>A, p.Asp1766Asn (NM_002977.4); short protein forms D1777N, D1766N.
Identifiers: ClinVar variation 933523 (VCV000933523.10), dbSNP rs1398450641, ClinGen allele CA349053551.

ClinVar aggregate classification (germline): Uncertain significance (1 of 4 stars; one submission).

Conditions:
Generalized epilepsy with febrile seizures plus, type 7 (GEFSP7). Also called: GEFS+, TYPE 7. Identifiers: Orphanet 36387, MedGen C2751778, MONDO:0013470, OMIM 613863.
Neuropathy, hereditary sensory and autonomic, type 2A (HSAN2A). Also called: ACROOSTEOLYSIS, GIACCAI TYPE; ACROOSTEOLYSIS, NEUROGENIC; HSAN IIA; WNK1-Related HSAN2 (HSAN2A); MORVAN DISEASE; NEUROPATHY, CONGENITAL SENSORY. Identifiers: Orphanet 970, MedGen C2752089, MONDO:0024309, OMIM 201300.

Allele frequency attached by ClinVar (database versions not stated): gnomAD exomes below 0.00001.
gnomAD v4.1: 3 of 1,614,150 alleles (0.00019%); highest among the groups gnomAD compares: Non-Finnish European, 0.00025%; no homozygotes.

Submission:

Labcorp Genetics (formerly Invitae), Labcorp
Classification: Uncertain significance for Neuropathy, hereditary sensory and autonomic, type 2A; Generalized epilepsy with febrile seizures plus, type 7. Last evaluated: 2019-09-15. Review status: criteria provided, single submitter. Criteria: Invitae Variant Classification Sherloc (09022015). Collection method: clinical testing. Allele origin: germline.
Comment: In summary, the available evidence is currently insufficient to determine the role of this variant in disease. Therefore, it has been classified as a Variant of Uncertain Significance. Algorithms developed to predict the effect of missense changes on protein structure and function are either unavailable or do not agree on the potential impact of this missense change (SIFT: "Deleterious"; PolyPhen-2: "Probably Damaging"; Align-GVGD: "Class C15"). This variant has not been reported in the literature in individuals with SCN9A-related conditions. This variant is not present in population databases (ExAC no frequency). This sequence change replaces aspartic acid with asparagine at codon 1766 of the SCN9A protein (p.Asp1766Asn). The aspartic acid residue is highly conserved and there is a small physicochemical difference between aspartic acid and asparagine.